The following is an entry in ClinVar:

ClinVar aggregate classification (germline): Likely pathogenic (1 of 4 stars; one submission).

Submission:

GeneDx
Classification: Likely pathogenic. Last evaluated: 2018-07-12. Review status: criteria provided, single submitter. Criteria: GeneDx Variant Classification (06012015). Collection method: clinical testing. Allele origin: germline. Affected: yes.
Comment: The c.2903dupT variant in the NR3C2 gene has not been reported previously as a pathogenic variant nor as a benign variant, to our knowledge. This frameshift variant replaces the typical last 16 amino acid residues in the NR3C2 protein with 44 different amino acid residues. This alteration may interfere with the proper formation and/or function of the NR3C2 protein. The c.2903dupT variant is not observed in large population cohorts (Lek et al., 2016). We interpret c.2903dupT as a likely pathogenic variant.

NM_000901.5(NR3C2):c.2903dup (p.Pro969fs)

Gene: NR3C2 (nuclear receptor subfamily 3 group C member 2; minus strand). Cytogenetic location: 4q31.23.
Variant type: Duplication.
Coding change: c.2903dup on transcript NM_000901.5 (MANE Select); coding-DNA position 2903, one base duplicated (T; older notation c.2903dupT).
Protein change: p.Pro969fs; shifts the reading frame from proline 969.
Molecular consequence: frameshift variant. On other transcripts: non-coding transcript variant (1).
Genome position (GRCh38, 1-based): chr4:148,081,396, A duplicated on the plus strand (T on the coding strand, the reverse complement: NR3C2 is on the minus strand). VCF-style (leftmost placement, unchanged base first): chr4-148081395-C-CA. GRCh37 (hg19) VCF-style: chr4-149002546-C-CA.
Other names: c.2552dup, p.Pro852fs (NM_001166104.2, NM_001354819.1); short protein forms P852fs, P969fs.
Identifiers: ClinVar variation 817133 (VCV000817133.1), dbSNP rs1578859390, ClinGen allele CA915943217.